The following is an entry in ClinVar:

ClinVar aggregate classification (germline): Uncertain significance (1 of 4 stars; one submission).

Conditions:
Duchenne muscular dystrophy (DMD). Also called: MUSCULAR DYSTROPHY, PSEUDOHYPERTROPHIC PROGRESSIVE, DUCHENNE TYPE; Duchenne Muscular Dystrophy (DMD). Identifiers: Orphanet 98896, MedGen C0013264, MONDO:0010679, OMIM 310200.

Submission:

Labcorp Genetics (formerly Invitae), Labcorp
Classification: Uncertain significance for Duchenne muscular dystrophy. Last evaluated: 2025-10-06. Review status: criteria provided, single submitter. Criteria: Invitae Variant Classification Sherloc (09022015). Collection method: clinical testing. Allele origin: germline.
Comment: This sequence change replaces tryptophan, which is neutral and slightly polar, with arginine, which is basic and polar, at codon 1249 of the DMD protein (p.Trp1249Arg). This variant is not present in population databases (gnomAD no frequency). This variant has not been reported in the literature in individuals affected with DMD-related conditions. ClinVar contains an entry for this variant (Variation ID: 1420368). Invitae Evidence Modeling of protein sequence and biophysical properties (such as structural, functional, and spatial information, amino acid conservation, physicochemical variation, residue mobility, and thermodynamic stability) indicates that this missense variant is not expected to disrupt DMD protein function with a negative predictive value of 95%. In summary, the available evidence is currently insufficient to determine the role of this variant in disease. Therefore, it has been classified as a Variant of Uncertain Significance.

NM_004006.3(DMD):c.3745T>C (p.Trp1249Arg)

Gene: DMD (dystrophin; minus strand). Cytogenetic location: Xp21.1.
Variant type: single nucleotide variant.
Coding change: c.3745T>C on transcript NM_004006.3 (MANE Select); coding-DNA position 3745, T replaced by C.
Protein change: p.Trp1249Arg; replaces tryptophan 1249 with arginine.
Molecular consequence: missense variant.
Genome position (GRCh38, 1-based): chrX:32,448,497, A>G on the plus strand (T>C on the coding strand, the complement: DMD is on the minus strand). VCF-style: chrX-32448497-A-G. GRCh37 (hg19) VCF-style: chrX-32466614-A-G.
Other names: c.3721T>C, p.Trp1241Arg (NM_000109.4); c.3733T>C, p.Trp1245Arg (NM_004009.3); c.3376T>C, p.Trp1126Arg (NM_004010.3); short protein forms W1126R, W1241R, W1245R, W1249R.
Identifiers: ClinVar variation 1420368 (VCV001420368.6), dbSNP rs2148287590, ClinGen allele CA412661793.